The following is an entry in ClinVar:

ClinVar aggregate classification (germline): Uncertain significance (1 of 4 stars; one submission).

Submission:

Labcorp Genetics (formerly Invitae), Labcorp
Classification: Uncertain significance. Last evaluated: 2024-01-25. Review status: criteria provided, single submitter. Criteria: Invitae Variant Classification Sherloc (09022015). Collection method: clinical testing. Allele origin: germline.
Comment: This sequence change replaces arginine, which is basic and polar, with isoleucine, which is neutral and non-polar, at codon 73 of the WFS1 protein (p.Arg73Ile). This variant is not present in population databases (gnomAD no frequency). This variant has not been reported in the literature in individuals affected with WFS1-related conditions. Advanced modeling of protein sequence and biophysical properties (such as structural, functional, and spatial information, amino acid conservation, physicochemical variation, residue mobility, and thermodynamic stability) performed at Invitae indicates that this missense variant is not expected to disrupt WFS1 protein function with a negative predictive value of 95%. In summary, the available evidence is currently insufficient to determine the role of this variant in disease. Therefore, it has been classified as a Variant of Uncertain Significance.

NM_006005.3(WFS1):c.218G>T (p.Arg73Ile)

Gene: WFS1 (wolframin ER transmembrane glycoprotein; plus strand). Cytogenetic location: 4p16.1.
Variant type: single nucleotide variant.
Coding change: c.218G>T on transcript NM_006005.3 (MANE Select); coding-DNA position 218, G replaced by T.
Protein change: p.Arg73Ile; replaces arginine 73 with isoleucine.
Molecular consequence: missense variant.
Genome position (GRCh38, 1-based): chr4:6,277,673, G>T. VCF-style: chr4-6277673-G-T. GRCh37 (hg19) VCF-style: chr4-6279400-G-T.
Other names: c.218G>T, p.Arg73Ile (NM_001145853.1); short protein forms R73I.
Identifiers: ClinVar variation 2752118 (VCV002752118.3), dbSNP rs1730039692, ClinGen allele CA356169871.
Genomic context (GRCh38, chr4:6,277,673, plus strand): 5'-GTGTTAGAGACGCAGCGGCCCCCGCTGAACCCCAGGCCCAGCATACCAGGAGCCGGGAAA[G>T]AGCAGACGGCACCGGTAAGGGAGCAGGCTGGGAAGCCCAGGCTGGGGATGTTCAGGGATA-3'
Protein context (NP_005996.2, residues 63-83): PQAQHTRSRE[Arg73Ile]ADGTGPTKGD